The following is an entry in ClinVar:

NM_001127208.3(TET2):c.584A>G (p.Lys195Arg)

Genes: TET2 (tet methylcytosine dioxygenase 2; plus strand), TET2-AS1 (TET2 antisense RNA 1; minus strand). Cytogenetic location: 4q24.
Variant type: single nucleotide variant.
Coding change: c.584A>G on transcript NM_001127208.3 (MANE Select); coding-DNA position 584, A replaced by G.
Protein change: p.Lys195Arg; replaces lysine 195 with arginine.
Molecular consequence: missense variant.
Genome position (GRCh38, 1-based): chr4:105,234,526, A>G. VCF-style: chr4-105234526-A-G. GRCh37 (hg19) VCF-style: chr4-106155683-A-G.
Other names: c.584A>G, p.Lys195Arg (NM_017628.4); short protein forms K195R.
Identifiers: ClinVar variation 5030788 (VCV005030788.1).

ClinVar aggregate classification (germline): Uncertain significance (1 of 4 stars; one submission).

Submission:

Ambry Genetics
Classification: Uncertain significance. Last evaluated: 2026-09-09. Review status: criteria provided, single submitter. Criteria: Ambry Variant Classification Scheme 2023. Collection method: clinical testing. Allele origin: germline.
Comment: The p.K195R variant (also known as c.584A>G), located in coding exon 1 of the TET2 gene, results from an A to G substitution at nucleotide position 584. The lysine at codon 195 is replaced by arginine, an amino acid with highly similar properties. This amino acid position is conserved. In addition, this alteration is predicted to be tolerated by in silico analysis. Based on the available evidence, the clinical significance of this variant remains unclear.